The following is an entry in ClinVar:

ClinVar aggregate classification (germline): Uncertain significance (1 of 4 stars; one submission).

Conditions:
Familial cold autoinflammatory syndrome 2 (FCAS2). Identifiers: Orphanet 247868, MedGen C2673198, MONDO:0012724, OMIM 611762.

Submission:

Labcorp Genetics (formerly Invitae), Labcorp
Classification: Uncertain significance for Familial cold autoinflammatory syndrome 2. Last evaluated: 2025-06-18. Review status: criteria provided, single submitter. Criteria: Invitae Variant Classification Sherloc (09022015). Collection method: clinical testing. Allele origin: germline.
Comment: This sequence change creates a premature translational stop signal (p.Ala449Profs*38) in the NLRP12 gene. It is expected to result in an absent or disrupted protein product. However, the current clinical and genetic evidence is not sufficient to establish whether loss-of-function variants in NLRP12 cause disease. This variant is not present in population databases (gnomAD no frequency). This variant has not been reported in the literature in individuals affected with NLRP12-related conditions. In summary, the available evidence is currently insufficient to determine the role of this variant in disease. Therefore, it has been classified as a Variant of Uncertain Significance.

NM_144687.4(NLRP12):c.1345del (p.Ala449fs)

Gene: NLRP12 (NLR family pyrin domain containing 12; minus strand). Cytogenetic location: 19q13.42.
Variant type: Deletion.
Coding change: c.1345del on transcript NM_144687.4 (MANE Select); coding-DNA position 1345, one base deleted (G; older notation c.1345delG).
Protein change: p.Ala449fs; shifts the reading frame from alanine 449.
Molecular consequence: frameshift variant.
Genome position (GRCh38, 1-based): chr19:53,810,314, C deleted on the plus strand (G on the coding strand, the reverse complement: NLRP12 is on the minus strand); the first of 5 consecutive C bases (chr19:53,810,314-53,810,318); deleting any one gives the same sequence. VCF-style (leftmost placement, unchanged base first): chr19-53810313-GC-G. GRCh37 (hg19) VCF-style: chr19-54313567-GC-G.
Other names: c.1345del, p.Ala449fs (NM_001277126.2, NM_001277129.1); short protein forms A449fs.
Identifiers: ClinVar variation 4711314 (VCV004711314.1).